The following is an entry in ClinVar:

ClinVar aggregate classification (germline): Likely benign (1 of 4 stars; one submission).

Allele frequency attached by ClinVar (database versions not stated): gnomAD 0.00052; 1000 Genomes Project 0.00060; 1000 Genomes Project 30x 0.00062; TOPMed 0.00066.
gnomAD v4.1: 82 of 152,324 alleles (0.054%); highest among the groups gnomAD compares: African/African-American, 0.15%; 1 homozygote.

Submission:

CeGaT Center for Human Genetics Tuebingen
Classification: Likely benign. Last evaluated: 2026-09-01. Review status: criteria provided, single submitter. Criteria: CeGaT Center For Human Genetics Tuebingen Variant Classification Criteria Version 2. Collection method: clinical testing. Allele origin: germline. Affected: yes. Observed: 4 variant alleles.
Comment: BRAF: BS1

NM_004333.6(BRAF):c.980+2523T>A

Gene: BRAF (B-Raf proto-oncogene, serine/threonine kinase; minus strand). Cytogenetic location: 7q34.
Variant type: single nucleotide variant.
Coding change: c.980+2523T>A on transcript NM_004333.6 (MANE Select); 2523 bases into the intron after coding-DNA position 980, T replaced by A.
Molecular consequence: intron variant.
Genome position (GRCh38, 1-based): chr7:140,797,839, A>T on the plus strand (T>A on the coding strand, the complement: BRAF is on the minus strand). VCF-style: chr7-140797839-A-T. GRCh37 (hg19) VCF-style: chr7-140497639-A-T.
Other names: c.824+2523T>A (NM_001378472.1, NM_001378473.1); c.980+2523T>A (NM_001378469.1, NM_001374244.1, NM_001378474.1 and 4 more transcripts); c.878+2523T>A (NM_001378470.1); c.716+2523T>A (NM_001378475.1); c.989+2523T>A (NM_001378467.1).
Identifiers: ClinVar variation 2658081 (VCV002658081.24), dbSNP rs143854070, ClinGen allele CA168103556.